The following is an entry in ClinVar:

ClinVar aggregate classification (germline): Uncertain significance (1 of 4 stars; one submission).

Conditions:
Cardiovascular phenotype. Identifiers: MedGen CN230736.

Allele frequency attached by ClinVar (database versions not stated): TOPMed below 0.00001.

Submission:

Ambry Genetics
Classification: Uncertain significance for Cardiovascular phenotype. Last evaluated: 2021-11-22. Review status: criteria provided, single submitter. Criteria: Ambry Variant Classification Scheme 2023. Collection method: clinical testing. Allele origin: germline.
Comment: The p.P170T variant (also known as c.508C>A), located in coding exon 2 of the TNXB gene, results from a C to A substitution at nucleotide position 508. The proline at codon 170 is replaced by threonine, an amino acid with highly similar properties. This amino acid position is conserved. In addition, this alteration is predicted to be tolerated by in silico analysis. Since supporting evidence is limited at this time, the clinical significance of this alteration remains unclear.

NM_001365276.2(TNXB):c.508C>A (p.Pro170Thr)

Gene: TNXB (tenascin XB; minus strand). Cytogenetic location: 6p21.33.
Variant type: single nucleotide variant.
Coding change: c.508C>A on transcript NM_001365276.2 (MANE Select); coding-DNA position 508, C replaced by A.
Protein change: p.Pro170Thr; replaces proline 170 with threonine.
Molecular consequence: missense variant.
Genome position (GRCh38, 1-based): chr6:32,097,345, G>T on the plus strand (C>A on the coding strand, the complement: TNXB is on the minus strand). VCF-style: chr6-32097345-G-T. GRCh37 (hg19) VCF-style: chr6-32065122-G-T.
Other names: c.508C>A, p.Pro170Thr (NM_019105.8); short protein forms P170T.
Identifiers: ClinVar variation 1745257 (VCV001745257.2), dbSNP rs1582479297, ClinGen allele CA363487874.